The following is an entry in ClinVar:

ClinVar aggregate classification (germline): Uncertain significance (1 of 4 stars; one submission).

Submission:

GeneDx
Classification: Uncertain significance. Last evaluated: 2023-11-06. Review status: criteria provided, single submitter. Criteria: GeneDx Variant Classification Process June 2021. Collection method: clinical testing. Allele origin: germline. Affected: yes.
Comment: Not observed at significant frequency in large population cohorts (gnomAD); In silico analysis supports that this missense variant does not alter protein structure/function; Has not been previously published as pathogenic or benign to our knowledge

NM_000836.4(GRIN2D):c.554C>T (p.Thr185Met)

Gene: GRIN2D (glutamate ionotropic receptor NMDA type subunit 2D; plus strand). Cytogenetic location: 19q13.33.
Variant type: single nucleotide variant.
Coding change: c.554C>T on transcript NM_000836.4 (MANE Select); coding-DNA position 554, C replaced by T.
Protein change: p.Thr185Met; replaces threonine 185 with methionine.
Molecular consequence: missense variant.
Genome position (GRCh38, 1-based): chr19:48,404,822, C>T. VCF-style: chr19-48404822-C-T. GRCh37 (hg19) VCF-style: chr19-48908079-C-T.
Other names: short protein forms T185M.
Identifiers: ClinVar variation 3363791 (VCV003363791.1).